The following is an entry in ClinVar:

ClinVar aggregate classification (germline): Pathogenic/Likely pathogenic. Review status: criteria provided, multiple submitters, no conflicts (2 of 4 stars). 5 submissions from 5 submitters: Pathogenic (4); Likely pathogenic (1). Last evaluated 2024-07-08.

Conditions:
Abetalipoproteinaemia (ABL). Also called: Abetalipoproteinemia; Abetalipoproteinemia neuropathy; Apolipoprotein B deficiency; Congenital betalipoprotein deficiency syndrome; MTP DEFICIENCY. Identifiers: Orphanet 14, MedGen C0000744, MONDO:0008692, OMIM 200100, HP:0008181.

Allele frequency attached by ClinVar (database versions not stated): TOPMed below 0.00001; gnomAD 0.00001.

Submissions (5):

Natera, Inc.
Classification: Pathogenic for Abetalipoproteinemia. Last evaluated: 2024-07-08. Review status: criteria provided, single submitter. Criteria: Natera Variant Classification Schema (03/2026). Collection method: clinical testing. Allele origin: germline.
Comment: The c.1392delA variant in MTTP is a frameshift variant predicted to shift the reading frame beginning at codon 465 and leads to a stop codon 13 codons downstream. This variant is expected to result in nonsense mediated decay, truncation, or a dysfunctional protein product. This variant is rare in the general population with a frequency below the threshold expected for the associated phenotype(s). This variant has been observed in one or more individuals affected with the associated recessive disease, as either homozygous or compound heterozygous with a second variant (PMID: 24842304). Given the available evidence, this variant is classified as Pathogenic.

Myriad Genetics, Inc.
Classification: Pathogenic for Abetalipoproteinaemia. Last evaluated: 2024-05-14. Review status: criteria provided, single submitter. Criteria: Myriad Autosomal Dominant, Autosomal Recessive and X-Linked Classification Criteria (2023). Collection method: clinical testing. Allele origin: unknown.
Comment: NM_000253.2(MTTP):c.1392delA(E465Rfs*13) is expected to be pathogenic in the context of abetalipoproteinemia. This variant is predicted to lead to an abnormal or absent protein product due to the creation of a premature termination codon in MTTP, a gene where loss-of-function variants are known to be pathogenic. Please note: this variant was assessed in the context of healthy population screening.

Fulgent Genetics
Classification: Likely pathogenic for Abetalipoproteinaemia. Last evaluated: 2024-04-08. Review status: criteria provided, single submitter. Criteria: ACMG Guidelines, 2015. Collection method: clinical testing. Allele origin: germline.

Labcorp Genetics (formerly Invitae), Labcorp
Classification: Pathogenic. Last evaluated: 2023-04-07. Review status: criteria provided, single submitter. Criteria: Invitae Variant Classification Sherloc (09022015). Collection method: clinical testing. Allele origin: germline.
Comment: ClinVar contains an entry for this variant (Variation ID: 955246). This premature translational stop signal has been observed in individual(s) with abetalipoproteinemia (PMID: 24842304). This variant is not present in population databases (gnomAD no frequency). This sequence change creates a premature translational stop signal (p.Glu465Argfs*13) in the MTTP gene. It is expected to result in an absent or disrupted protein product. Loss-of-function variants in MTTP are known to be pathogenic (PMID: 8533758, 9671739). For these reasons, this variant has been classified as Pathogenic.

Women's Health and Genetics/Laboratory Corporation of America, LabCorp
Classification: Pathogenic for Abetalipoproteinaemia. Last evaluated: 2020-09-21. Review status: criteria provided, single submitter. Criteria: LabCorp Variant Classification Summary - May 2015. Collection method: clinical testing. Allele origin: germline.
Comment: Variant summary: MTTP c.1392delA (p.Glu465ArgfsX13) results in a premature termination codon, predicted to cause a truncation of the encoded protein or absence of the protein due to nonsense mediated decay, which are commonly known mechanisms for disease. Truncations downstream of this position have been classified as pathogenic by our laboratory. The variant was absent in 251044 control chromosomes. c.1392delA has been reported in the literature in individuals affected with Abetalipoproteinaemia (Bassen-Kornzweig Syndrome, Di-Filippo_2014). These data indicate that the variant is likely to be associated with disease. To our knowledge, no experimental evidence demonstrating an impact on protein function has been reported. One clinical diagnostic laboratory has submitted clinical-significance assessments for this variant to ClinVar after 2014 without evidence for independent evaluation and classified the variant as pathogenic. Based on the evidence outlined above, the variant was classified as pathogenic.

Literature cited by the submitters: PubMed 24842304 (cited by 3 submitters); PubMed 8533758 (cited by Labcorp Genetics (formerly Invitae), Labcorp); PubMed 9671739 (cited by Labcorp Genetics (formerly Invitae), Labcorp).

NM_001386140.1(MTTP):c.1392del (p.Glu465fs)

Gene: MTTP (microsomal triglyceride transfer protein; plus strand). Cytogenetic location: 4q23.
Variant type: Deletion.
Coding change: c.1392del on transcript NM_001386140.1 (MANE Select); coding-DNA position 1392, one base deleted (A; older notation c.1392delA).
Protein change: p.Glu465fs; shifts the reading frame from glutamic acid 465.
Molecular consequence: frameshift variant.
Genome position (GRCh38, 1-based): chr4:99,606,795, A deleted. VCF-style (leftmost placement, unchanged base first): chr4-99606794-CA-C. GRCh37 (hg19) VCF-style: chr4-100527951-CA-C.
Other names: c.1392delA (NM_000253.3); c.1392del, p.Glu465fs (NM_000253.4); c.1143del, p.Glu382fs (NM_001300785.2); short protein forms E465fs, E382fs.
Identifiers: ClinVar variation 955246 (VCV000955246.10), dbSNP rs1725827570, ClinGen allele CA1065948891.